The following is an entry in ClinVar:

NM_001257180.2(SLC20A2):c.1070T>G (p.Leu357Arg)

Gene: SLC20A2 (solute carrier family 20 member 2; minus strand). Cytogenetic location: 8p11.21.
Variant type: single nucleotide variant.
Coding change: c.1070T>G on transcript NM_001257180.2 (MANE Select); coding-DNA position 1070, T replaced by G.
Protein change: p.Leu357Arg; replaces leucine 357 with arginine.
Molecular consequence: missense variant.
Genome position (GRCh38, 1-based): chr8:42,437,442, A>C on the plus strand (T>G on the coding strand, the complement: SLC20A2 is on the minus strand). VCF-style: chr8-42437442-A-C. GRCh37 (hg19) VCF-style: chr8-42294960-A-C.
Other names: c.1070T>G, p.Leu357Arg (NM_001257181.2, NM_006749.5); short protein forms L357R.
Identifiers: ClinVar variation 2072585 (VCV002072585.4), dbSNP rs2487187943, ClinGen allele CA371097476.
Genomic context (GRCh38, chr8:42,437,442, plus strand): 5'-TAGTTGCTTTCCTGGGCTGGCTTCTCCTCGGGGCCCCTGTCGATGTGGATTTTGTGCAGC[A>C]GATCTTTGTAGAGCCCCGAGTCTTTGTGCACGGTGTGGTACACATGACCGTCGCTCCTGG-3'
Protein context (NP_001244109.1, residues 347-367): VHKDSGLYKD[Leu357Arg]LHKIHIDRGP

ClinVar aggregate classification (germline): Uncertain significance (1 of 4 stars; one submission).

Submission:

Labcorp Genetics (formerly Invitae), Labcorp
Classification: Uncertain significance. Last evaluated: 2022-06-04. Review status: criteria provided, single submitter. Criteria: Invitae Variant Classification Sherloc (09022015). Collection method: clinical testing. Allele origin: germline.
Comment: This variant has not been reported in the literature in individuals affected with SLC20A2-related conditions. Algorithms developed to predict the effect of missense changes on protein structure and function (SIFT, PolyPhen-2, Align-GVGD) all suggest that this variant is likely to be disruptive. In summary, the available evidence is currently insufficient to determine the role of this variant in disease. Therefore, it has been classified as a Variant of Uncertain Significance. This sequence change replaces leucine, which is neutral and non-polar, with arginine, which is basic and polar, at codon 357 of the SLC20A2 protein (p.Leu357Arg). This variant is not present in population databases (gnomAD no frequency).